The following is an entry in ClinVar:

NM_000487.6(ARSA):c.1280C>T (p.Pro427Leu)

Gene: ARSA (arylsulfatase A; minus strand). Cytogenetic location: 22q13.33.
Variant type: single nucleotide variant.
Coding change: c.1280C>T on transcript NM_000487.6 (MANE Select); coding-DNA position 1280, C replaced by T.
Protein change: p.Pro427Leu; replaces proline 427 with leucine.
Molecular consequence: missense variant.
Genome position (GRCh38, 1-based): chr22:50,625,395, G>A on the plus strand (C>T on the coding strand, the complement: ARSA is on the minus strand). VCF-style: chr22-50625395-G-A. GRCh37 (hg19) VCF-style: chr22-51063823-G-A.
Other names: c.1280C>T, p.Pro427Leu (NM_001085425.3, NM_001085426.3, NM_001085427.3); c.1022C>T, p.Pro341Leu (NM_001085428.3, NM_001362782.2); short protein forms P341L, P427L.
Identifiers: ClinVar variation 1966108 (VCV001966108.5), dbSNP rs2518322339, ClinGen allele CA412168911.
Genomic context (GRCh38, chr22:50,625,395, plus strand): 5'-ACACCCCCCAGCAGGTTGTAGTTCTCACCAGGGTCCTTGGACAGGTCATAGAGCAGCGGG[G>A]GCTCATGAGCAGTCAGAGAGCTGGAGGCGTGGCAGGCAGGGTCTGCAGTGGTATCACTGT-3'
Protein context (NP_000478.3, residues 417-437): HASSSLTAHE[Pro427Leu]PLLYDLSKDP

ClinVar aggregate classification (germline): Uncertain significance (1 of 4 stars; one submission).

Conditions:
Metachromatic leukodystrophy (MLD). Also called: SULFATIDE LIPIDOSIS; ARSA DEFICIENCY; CEREBROSIDE SULFATASE DEFICIENCY; Cerebral sclerosis diffuse metachromatic form; Arylsulfatase A Deficiency; METACHROMATIC LEUKOENCEPHALOPATHY. Identifiers: Orphanet 512, MedGen C0023522, MONDO:0018868, OMIM 250100.

Allele frequency attached by ClinVar (database versions not stated): gnomAD exomes below 0.00001.
gnomAD v4.1: 1 of 1,599,804 alleles (0.000063%); highest among the groups gnomAD compares: African/African-American, 0.0013%; no homozygotes.

Submission:

Labcorp Genetics (formerly Invitae), Labcorp
Classification: Uncertain significance for Metachromatic leukodystrophy. Last evaluated: 2022-04-08. Review status: criteria provided, single submitter. Criteria: Invitae Variant Classification Sherloc (09022015). Collection method: clinical testing. Allele origin: germline.
Comment: This variant has not been reported in the literature in individuals affected with ARSA-related conditions. This variant is not present in population databases (gnomAD no frequency). This sequence change replaces proline, which is neutral and non-polar, with leucine, which is neutral and non-polar, at codon 427 of the ARSA protein (p.Pro427Leu). Algorithms developed to predict the effect of missense changes on protein structure and function (SIFT, PolyPhen-2, Align-GVGD) all suggest that this variant is likely to be disruptive. In summary, the available evidence is currently insufficient to determine the role of this variant in disease. Therefore, it has been classified as a Variant of Uncertain Significance.